The following is an entry in ClinVar:

NM_001013838.3(CARMIL2):c.1861A>G (p.Met621Val)

Gene: CARMIL2 (capping protein regulator and myosin 1 linker 2; plus strand). Cytogenetic location: 16q22.1.
Variant type: single nucleotide variant.
Coding change: c.1861A>G on transcript NM_001013838.3 (MANE Select); coding-DNA position 1861, A replaced by G.
Protein change: p.Met621Val; replaces methionine 621 with valine.
Molecular consequence: missense variant.
Genome position (GRCh38, 1-based): chr16:67,649,561, A>G. VCF-style: chr16-67649561-A-G. GRCh37 (hg19) VCF-style: chr16-67683464-A-G.
Other names: c.1753A>G, p.Met585Val (NM_001317026.3); short protein forms M621V, M585V.
Identifiers: ClinVar variation 1504036 (VCV001504036.6), dbSNP rs750622043, ClinGen allele CA8113580.
Genomic context (GRCh38, chr16:67,649,561, plus strand): 5'-CTACTCCGGGCCCTAGCCACCAATCCTAACCTGACCGCGCTGGATATCAGCGGCAACGCC[A>G]TGGGGGACGCGGGCGCCAAGTTGCTGGCCAAGGCGCTGCGGGTCAACTCGAGGCTCCGGT-3'
Protein context (NP_001013860.1, residues 611-631): LTALDISGNA[Met621Val]GDAGAKLLAK

ClinVar aggregate classification (germline): Uncertain significance (1 of 4 stars; one submission).

Allele frequency attached by ClinVar (database versions not stated): gnomAD 0.00002 and 0.00003; ExAC 0.00003; gnomAD exomes 0.00003.
gnomAD v4.1: 41 of 1,597,788 alleles (0.0026%); highest among the groups gnomAD compares: Non-Finnish European, 0.0033%; no homozygotes.

Submission:

Labcorp Genetics (formerly Invitae), Labcorp
Classification: Uncertain significance. Last evaluated: 2023-12-02. Review status: criteria provided, single submitter. Criteria: Invitae Variant Classification Sherloc (09022015). Collection method: clinical testing. Allele origin: germline.
Comment: This sequence change replaces methionine, which is neutral and non-polar, with valine, which is neutral and non-polar, at codon 621 of the CARMIL2 protein (p.Met621Val). This variant is present in population databases (rs750622043, gnomAD 0.007%). This variant has not been reported in the literature in individuals affected with CARMIL2-related conditions. ClinVar contains an entry for this variant (Variation ID: 1504036). Advanced modeling of protein sequence and biophysical properties (such as structural, functional, and spatial information, amino acid conservation, physicochemical variation, residue mobility, and thermodynamic stability) performed at Invitae indicates that this missense variant is expected to disrupt CARMIL2 protein function with a positive predictive value of 80%. In summary, the available evidence is currently insufficient to determine the role of this variant in disease. Therefore, it has been classified as a Variant of Uncertain Significance.